The following is an entry in ClinVar:

ClinVar aggregate classification (germline): Conflicting classifications of pathogenicity. Review status: criteria provided, conflicting classifications (1 of 4 stars). 4 submissions from 3 submitters: Likely pathogenic (1); Uncertain significance (3). Last evaluated 2023-02-28.

Conditions:
Autosomal recessive nonsyndromic hearing loss 4 (DFNB4). Also called: NEUROSENSORY NONSYNDROMIC RECESSIVE DEAFNESS 4; FOXI1-Related Pendred Syndrome; KCNJ10-Related Pendred Syndrome; DEAFNESS, AUTOSOMAL RECESSIVE 4, WITH ENLARGED VESTIBULAR AQUEDUCT, DIGENIC; Nonsyndromic enlarged vestibular aqueduct (NSEVA); Deafness, autosomal recessive 4, with enlarged vestibular aqueduct. Identifiers: Orphanet 90636, MedGen C3538946, MONDO:0010933, OMIM 600791.
Pendred syndrome (PDS). Also called: DEAFNESS WITH GOITER; GOITER-DEAFNESS SYNDROME; HYPOTHYROIDISM, CONGENITAL, DUE TO DYSHORMONOGENESIS, 2B; THYROID DYSHORMONOGENESIS 2B; THYROID HORMONOGENESIS, GENETIC DEFECT IN, 2B; Pendred's syndrome. Identifiers: Orphanet 705, MedGen C0271829, MONDO:0010134, OMIM 274600.

Allele frequency attached by ClinVar (database versions not stated): 1000 Genomes Project 0.00140; 1000 Genomes Project 30x 0.00172; TOPMed 0.00205; gnomAD 0.00237 and 0.00245.
gnomAD v4.1: 1,790 of 564,830 alleles (0.32%); highest among the groups gnomAD compares: Non-Finnish European, 0.45%; 8 homozygotes.

Submissions (4):

King Laboratory, University of Washington
Classification: Likely pathogenic for Autosomal recessive nonsyndromic hearing loss 4. Last evaluated: 2023-02-28. Review status: criteria provided, single submitter. Criteria: Li et al. (Genet Med. 2022). Collection method: research. Allele origin: unknown. Affected: yes.
Comment: This variant was found in compound heterozygosity with an SLC26A4 splicing variant that is known to be pathogenic/likely pathogenic, in two siblings with bilateral sensorineural hearing loss of onset <18 years and bilateral enlarged vestibular aqueduct (EVA), in a study of pediatric hearing loss conducted by the King Laboratory (Carlson RJ et al. JAMA-OtoHNS 2023). These siblings’ family has no other history of hearing loss. This variant was found in cis orientation with SLC26A4 c.*200A>T. Both variants are located in the 3’ UTR of SLC26A4 and are predicted to affect miRNA binding sites. As of January 2023, both variants have been reported previously in an individual with Pendred syndrome and are currently classified as variants of unknown significance on ClinVar, and they are found in 103 heterozygous individuals on gnomAD. Based on compound heterozygosity with a loss-of-function variant, co-segregation with the phenotype in the family, and goodness of fit of genotype to phenotype, we conclude that this variant is likely pathogenic.

Illumina Laboratory Services, Illumina
Classification: Uncertain significance for Autosomal recessive nonsyndromic hearing loss 4. Last evaluated: 2018-01-12. Review status: criteria provided, single submitter. Criteria: ICSL Variant Classification Criteria 13 December 2019. Collection method: clinical testing. Allele origin: germline.

Illumina Laboratory Services, Illumina
Classification: Uncertain significance for Pendred syndrome. Last evaluated: 2018-01-12. Review status: criteria provided, single submitter. Criteria: ICSL Variant Classification Criteria 13 December 2019. Collection method: clinical testing. Allele origin: germline.

Breakthrough Genomics
Classification: Uncertain significance. Review status: criteria provided, single submitter. Criteria: ACMG Guidelines, 2015. Collection method: not provided. Allele origin: germline. Inheritance: Autosomal recessive inheritance. Affected: yes.

Literature cited by the submitters: PubMed 36633841 (cited by King Laboratory, University of Washington).

NM_000441.2(SLC26A4):c.*239C>T

Gene: SLC26A4 (solute carrier family 26 member 4; plus strand). Cytogenetic location: 7q22.3.
Variant type: single nucleotide variant.
Coding change: c.*239C>T on transcript NM_000441.2 (MANE Select); 239 bases downstream of the stop codon, C replaced by T.
Molecular consequence: 3 prime UTR variant.
Genome position (GRCh38, 1-based): chr7:107,715,685, C>T. VCF-style: chr7-107715685-C-T. GRCh37 (hg19) VCF-style: chr7-107356130-C-T.
Identifiers: ClinVar variation 358506 (VCV000358506.7), dbSNP rs113516368, ClinGen allele CA10628016.